The following is an entry in ClinVar:

NM_001302998.2(LIPI):c.116C>T (p.Pro39Leu)

Gene: LIPI (lipase I; minus strand). Cytogenetic location: 21q11.2.
Variant type: single nucleotide variant.
Coding change: c.116C>T on transcript NM_001302998.2 (MANE Select); coding-DNA position 116, C replaced by T.
Protein change: p.Pro39Leu; replaces proline 39 with leucine.
Molecular consequence: missense variant. On other transcripts: 5 prime UTR variant (1), intron variant (1).
Genome position (GRCh38, 1-based): chr21:14,189,350, G>A on the plus strand (C>T on the coding strand, the complement: LIPI is on the minus strand). VCF-style: chr21-14189350-G-A. GRCh37 (hg19) VCF-style: chr21-15561671-G-A.
Other names: c.116C>T, p.Pro39Leu (NM_001302999.2, NM_001303000.2, NM_001303001.2 and 1 more transcripts); c.-20C>T (NM_198996.4); c.47-7491C>T (NM_001379566.1); short protein forms P39L.
Identifiers: ClinVar variation 4739307 (VCV004739307.1).

ClinVar aggregate classification (germline): Uncertain significance (1 of 4 stars; one submission).

gnomAD v4.1: 24 of 1,611,084 alleles (0.0015%); highest among the groups gnomAD compares: African/African-American, 0.0067%; no homozygotes.

Submission:

Labcorp Genetics (formerly Invitae), Labcorp
Classification: Uncertain significance. Last evaluated: 2025-09-10. Review status: criteria provided, single submitter. Criteria: Invitae Variant Classification Sherloc (09022015). Collection method: clinical testing. Allele origin: germline.
Comment: This sequence change replaces proline, which is neutral and non-polar, with leucine, which is neutral and non-polar, at codon 60 of the LIPI protein (p.Pro60Leu). This variant is present in population databases (rs762157175, gnomAD 0.01%). This missense change has been observed in individual(s) with dyslipidemia (PMID: 36325899). An algorithm developed to predict the effect of missense changes on protein structure and function (PolyPhen-2) suggests that this variant is likely to be disruptive. In summary, the available evidence is currently insufficient to determine the role of this variant in disease. Therefore, it has been classified as a Variant of Uncertain Significance.

Literature cited by the submitters: PubMed 36325899.